The following is an entry in ClinVar:

ClinVar aggregate classification (germline): Likely pathogenic (1 of 4 stars; one submission).

Conditions:
KMT2C-related disorder. Also called: KMT2C-related condition; KMT2C-related disorders.

Submission:

PreventionGenetics, part of Exact Sciences
Classification: Likely pathogenic for KMT2C-related condition. Last evaluated: 2023-05-29. Review status: criteria provided, single submitter. Criteria: ACMG Guidelines, 2015. Collection method: clinical testing. Allele origin: germline.
Comment: The KMT2C c.14245C>T variant is predicted to result in the amino acid substitution p.Pro4749Ser. To our knowledge, this variant has not been reported in the literature or in a large population database, indicating this variant is rare. This variant is interpreted as likely pathogenic.

NM_170606.3(KMT2C):c.14245C>T (p.Pro4749Ser)

Gene: KMT2C (lysine methyltransferase 2C; minus strand). Cytogenetic location: 7q36.1.
Variant type: single nucleotide variant.
Coding change: c.14245C>T on transcript NM_170606.3 (MANE Select); coding-DNA position 14245, C replaced by T.
Protein change: p.Pro4749Ser; replaces proline 4749 with serine.
Molecular consequence: missense variant.
Genome position (GRCh38, 1-based): chr7:152,144,811, G>A on the plus strand (C>T on the coding strand, the complement: KMT2C is on the minus strand). VCF-style: chr7-152144811-G-A. GRCh37 (hg19) VCF-style: chr7-151841896-G-A.
Other names: short protein forms P4749S.
Identifiers: ClinVar variation 2633207 (VCV002633207.1), dbSNP rs2129092780, ClinGen allele CA370087847.